The following is an entry in ClinVar:

ClinVar aggregate classification (germline): Uncertain significance (1 of 4 stars; one submission).

Conditions:
Lipodystrophy, partial, acquired, susceptibility to (APLD). Also called: APLD, SUSCEPTIBILITY TO. Identifiers: MedGen C3887501, MONDO:0100476, OMIM 608709.
Progressive myoclonic epilepsy type 9. Identifiers: Orphanet 457265, MedGen C4225289, MONDO:0014685, OMIM 616540.

Submission:

Labcorp Genetics (formerly Invitae), Labcorp
Classification: Uncertain significance for Progressive myoclonic epilepsy type 9; Lipodystrophy, partial, acquired, susceptibility to. Last evaluated: 2022-02-04. Review status: criteria provided, single submitter. Criteria: Invitae Variant Classification Sherloc (09022015). Collection method: clinical testing. Allele origin: germline.
Comment: This variant has not been reported in the literature in individuals affected with LMNB2-related conditions. In summary, the available evidence is currently insufficient to determine the role of this variant in disease. Therefore, it has been classified as a Variant of Uncertain Significance. Algorithms developed to predict the effect of missense changes on protein structure and function (SIFT, PolyPhen-2, Align-GVGD) all suggest that this variant is likely to be disruptive. This variant is not present in population databases (gnomAD no frequency). This sequence change replaces alanine, which is neutral and non-polar, with valine, which is neutral and non-polar, at codon 101 of the LMNB2 protein (p.Ala101Val).

NM_032737.4(LMNB2):c.302C>T (p.Ala101Val)

Gene: LMNB2 (lamin B2; minus strand). Cytogenetic location: 19p13.3.
Variant type: single nucleotide variant.
Coding change: c.302C>T on transcript NM_032737.4 (MANE Select); coding-DNA position 302, C replaced by T.
Protein change: p.Ala101Val; replaces alanine 101 with valine.
Molecular consequence: missense variant.
Genome position (GRCh38, 1-based): chr19:2,444,503, G>A on the plus strand (C>T on the coding strand, the complement: LMNB2 is on the minus strand). VCF-style: chr19-2444503-G-A. GRCh37 (hg19) VCF-style: chr19-2444501-G-A.
Other names: short protein forms A101V.
Identifiers: ClinVar variation 1380387 (VCV001380387.8), dbSNP rs2145462818, ClinGen allele CA403259433.